The following is an entry in ClinVar:

NM_001370259.2(MEN1):c.*1A>C

Gene: MEN1 (menin 1; minus strand). Cytogenetic location: 11q13.1.
Variant type: single nucleotide variant.
Coding change: c.*1A>C on transcript NM_001370259.2 (MANE Select); 1 bases downstream of the stop codon, A replaced by C.
Molecular consequence: 3 prime UTR variant. On other transcripts: non-coding transcript variant (4).
Genome position (GRCh38, 1-based): chr11:64,804,333, T>G on the plus strand (A>C on the coding strand, the complement: MEN1 is on the minus strand). VCF-style: chr11-64804333-T-G. GRCh37 (hg19) VCF-style: chr11-64571805-T-G.
Other names: c.*1A>C (NM_001407152.1, NM_130799.3, NM_130800.3 and 20 more transcripts).
Identifiers: ClinVar variation 3773219 (VCV003773219.2).

ClinVar aggregate classification (germline): Benign/Likely benign. Review status: criteria provided, multiple submitters, no conflicts (2 of 4 stars). 2 submissions from 2 submitters: Benign (1); Likely benign (1). Last evaluated 2024-11-05.

Conditions:
Multiple endocrine neoplasia, type 1 (MEN1). Also called: MEN I; WERMER SYNDROME; Endocrine adenomatosis multiple; MEN 1; MEA I. Identifiers: Orphanet 652, MedGen C0025267, MeSH D018761, MONDO:0007540, OMIM 131100.

Submissions (2):

Myriad Genetics, Inc.
Classification: Benign for Multiple endocrine neoplasia, type 1. Last evaluated: 2024-11-05. Review status: criteria provided, single submitter. Criteria: Myriad Autosomal Dominant, Autosomal Recessive and X-Linked Classification Criteria (2023). Collection method: clinical testing. Allele origin: unknown.
Comment: This variant is considered benign. This variant occurs in the non-coding 3' untranslated region of the gene, and is not expected to impact protein function.

Color Diagnostics, LLC DBA Color Health
Classification: Likely benign for Multiple endocrine neoplasia, type 1. Last evaluated: 2022-09-23. Review status: criteria provided, single submitter. Criteria: ACMG Guidelines, 2015. Collection method: clinical testing. Allele origin: germline.